The following is an entry in ClinVar:

NM_001174096.2(ZEB1):c.1335_1338del (p.Ile445fs)

Gene: ZEB1 (zinc finger E-box binding homeobox 1; plus strand). Cytogenetic location: 10p11.22.
Variant type: Microsatellite.
Coding change: c.1335_1338del on transcript NM_001174096.2 (MANE Select); coding-DNA positions 1335 to 1338, 4 bases deleted (CAAT; older notation c.1335_1338delCAAT).
Protein change: p.Ile445fs; shifts the reading frame from isoleucine 445.
Molecular consequence: frameshift variant.
Genome position (GRCh38, 1-based): chr10:31,520,667-31,520,670, CAAT deleted; deleting any 4 consecutive bases within chr10:31,520,663-31,520,670 gives the same sequence; the c. name uses the placement nearest the transcript's 3' end. VCF-style (leftmost placement, unchanged base first): chr10-31520662-ACAAT-A. GRCh37 (hg19) VCF-style: chr10-31809590-ACAAT-A.
Other names: c.1284_1287del, p.Ile428fs (NM_001128128.3); c.1272_1275del, p.Ile424fs (NM_001174093.2); c.1281_1284del, p.Ile427fs (NM_001174094.2); c.1131_1134del, p.Ile377fs (NM_001174095.2); c.678_681del, p.Ile226fs (NM_001323638.2, NM_001323641.2, NM_001323642.2 and 27 more transcripts); c.1110_1113del, p.Ile370fs (NM_001323674.2); c.1068_1071del, p.Ile356fs (NM_001323675.2); c.1293_1296del, p.Ile431fs (NM_001323676.2); and 3 more; short protein forms I424fs, I427fs, I428fs, I430fs, I444fs, I356fs, I370fs, I377fs.
Identifiers: ClinVar variation 503716 (VCV000503716.3), dbSNP rs1554930679, ClinGen allele CA658797411.

ClinVar aggregate classification (germline): Pathogenic. Review status: criteria provided, multiple submitters, no conflicts (2 of 4 stars). 2 submissions from 2 submitters: Pathogenic (2). Last evaluated 2020-09-01.

Conditions:
ZEB1-related disorder. Also called: ZEB1-related condition.

Submissions (2):

Blueprint Genetics
Classification: Pathogenic for ZEB1-related disorders. Last evaluated: 2020-09-01. Review status: criteria provided, single submitter. Criteria: ACMG Guidelines, 2015. Collection method: clinical testing. Allele origin: germline. Affected: yes. Observed: 3 variant alleles.

GeneDx
Classification: Pathogenic. Last evaluated: 2018-02-05. Review status: criteria provided, single submitter. Criteria: GeneDx Variant Classification (06012015). Collection method: clinical testing. Allele origin: germline. Affected: yes.
Comment: The c.1332_1335delCAAT variant in the ZEB1 gene has been reported previously as an assumed de novo change in an individual with posterior polymorphous corneal dystrophy (Krafchak et al., 2005). The c.1332_1335delCAAT variant causes a frameshift starting with codon Isoleucine 444, changes this amino acid to a Methionine residue, and creates a premature Stop codon at position 48 of the new reading frame, denoted p.Ile444MetfsX48. This variant is predicted to cause loss of normal protein function either through protein truncation or nonsense-mediated mRNA decay. The c.1332_1335delCAAT variant is not observed in large population cohorts (Lek et al., 2016). We interpret c.1332_1335delCAAT as a pathogenic variant.